The following is an entry in ClinVar:

ClinVar aggregate classification (germline): Uncertain significance (1 of 4 stars; one submission).

Submission:

GeneDx
Classification: Uncertain significance. Last evaluated: 2020-04-02. Review status: criteria provided, single submitter. Criteria: GeneDx Variant Classification Process June 2021. Collection method: clinical testing. Allele origin: germline. Affected: yes.
Comment: Not observed in large population cohorts (Lek et al., 2016); In silico analysis supports that this missense variant has a deleterious effect on protein structure/function; Has not been previously published as pathogenic or benign to our knowledge

NM_014845.6(FIG4):c.2243C>G (p.Pro748Arg)

Gene: FIG4 (FIG4 phosphoinositide 5-phosphatase; plus strand). Cytogenetic location: 6q21.
Variant type: single nucleotide variant.
Coding change: c.2243C>G on transcript NM_014845.6 (MANE Select); coding-DNA position 2243, C replaced by G.
Protein change: p.Pro748Arg; replaces proline 748 with arginine.
Molecular consequence: missense variant.
Genome position (GRCh38, 1-based): chr6:109,791,438, C>G. VCF-style: chr6-109791438-C-G. GRCh37 (hg19) VCF-style: chr6-110112641-C-G.
Other names: short protein forms P748R.
Identifiers: ClinVar variation 1306369 (VCV001306369.2), dbSNP rs2128397260, ClinGen allele CA365216165.